The following is an entry in ClinVar:

NM_001304419.2(DRC11L):c.417G>A (p.Leu139=)

Gene: DRC11L (dynein regulatory complex subunit 11 like; minus strand). Cytogenetic location: 7q36.1.
Variant type: single nucleotide variant.
Coding change: c.417G>A on transcript NM_001304419.2 (MANE Select); coding-DNA position 417, G replaced by A.
Protein change: p.Leu139=; no amino-acid change (leucine 139 retained).
Molecular consequence: synonymous variant.
Genome position (GRCh38, 1-based): chr7:151,203,437, C>T on the plus strand (G>A on the coding strand, the complement: DRC11L is on the minus strand). VCF-style: chr7-151203437-C-T. GRCh37 (hg19) VCF-style: chr7-150900523-C-T.
Identifiers: ClinVar variation 2658184 (VCV002658184.24), dbSNP rs971726092, ClinGen allele CA458657417.
Genomic context (GRCh38, chr7:151,203,437, plus strand): 5'-GGTGTCACCCCCGTTTACCTTCTGGGAGGACACTGGCTCCAGTCTGGACAGGATCTCGGC[C>T]AGTATCAGCCCTCGCTCCCGCACAGTGGTGGACTGCTCCAGCAGGAAGTATTTGGGGATT-3'
Protein context (NP_001291348.1, residues 129-149): STTVRERGLI[Leu139=]AEILSRLEPV

ClinVar aggregate classification (germline): Likely benign (1 of 4 stars; one submission).

Submission:

CeGaT Center for Human Genetics Tuebingen
Classification: Likely benign. Last evaluated: 2022-12-01. Review status: criteria provided, single submitter. Criteria: CeGaT Center For Human Genetics Tuebingen Variant Classification Criteria Version 2. Collection method: clinical testing. Allele origin: germline. Affected: yes. Observed: 1 variant allele.
Comment: DRC11L: PM2:Supporting, BP4, BP7